The following is an entry in ClinVar:

ClinVar aggregate classification (germline): Pathogenic (1 of 4 stars; one submission).

Conditions:
Cernunnos-XLF deficiency (IMD124). Also called: NHEJ1 SYNDROME; SCID, AUTOSOMAL RECESSIVE, T CELL-NEGATIVE, B CELL-NEGATIVE, NK CELL-POSITIVE, WITH MICROCEPHALY, GROWTH RETARDATION, AND SENSITIVITY TO IONIZING RADIATION; Severe combined immunodeficiency with sensitivity to ionizing radiation due to NHEJ1 deficiency; SCID, autosomal recessive, T cell-negative, B cell-negative, NK cell-positive, and sensitivity to ionizing radiation due to NHEJ1 deficiency; IMMUNODEFICIENCY 124, SEVERE COMBINED. Identifiers: Orphanet 169079, MedGen C1969799, MONDO:0012650, OMIM 611291.

Submission:

Labcorp Genetics (formerly Invitae), Labcorp
Classification: Pathogenic for Cernunnos-XLF deficiency. Last evaluated: 2017-12-17. Review status: criteria provided, single submitter. Criteria: Invitae Variant Classification Sherloc (09022015). Collection method: clinical testing. Allele origin: germline.
Comment: This variant has not been reported in the literature in individuals with NHEJ1-related disease. Loss-of-function variants in NHEJ1 are known to be pathogenic (PMID: 16439204, 20597108). For these reasons, this variant has been classified as Pathogenic. This sequence change creates a premature translational stop signal (p.Gln215*) in the NHEJ1 gene. It is expected to result in an absent or disrupted protein product. This variant is not present in population databases (ExAC no frequency).

Literature cited by the submitters: PubMed 16439204; PubMed 20597108.

NM_024782.3(NHEJ1):c.643C>T (p.Gln215Ter)

Gene: NHEJ1 (non-homologous end joining factor 1; minus strand). Cytogenetic location: 2q35.
Variant type: single nucleotide variant.
Coding change: c.643C>T on transcript NM_024782.3 (MANE Select); coding-DNA position 643, C replaced by T.
Protein change: p.Gln215Ter; replaces glutamine 215 with a stop codon.
Molecular consequence: nonsense. On other transcripts: non-coding transcript variant (1).
Genome position (GRCh38, 1-based): chr2:219,078,152, G>A on the plus strand (C>T on the coding strand, the complement: NHEJ1 is on the minus strand). VCF-style: chr2-219078152-G-A. GRCh37 (hg19) VCF-style: chr2-219942874-G-A.
Other names: c.643C>T, p.Gln215Ter (NM_001377498.1, NM_001377499.1); short protein forms Q215*.
Identifiers: ClinVar variation 536739 (VCV000536739.6), dbSNP rs1553542017, ClinGen allele CA350642584.